The following is an entry in ClinVar:

ClinVar aggregate classification (germline): Likely pathogenic (1 of 4 stars; one submission).

Conditions:
Neurodevelopmental disorder with nonspecific brain abnormalities and with or without seizures. Identifiers: MedGen C5231470, MONDO:0032877, OMIM 618709.

Submission:

MVZ Medizinische Genetik Mainz
Classification: Likely pathogenic for Neurodevelopmental disorder with nonspecific brain abnormalities and with or without seizures. Last evaluated: 2023-08-03. Review status: criteria provided, single submitter. Criteria: UK Practice Guidelines For Variant Classification V4 01 2020. Collection method: clinical testing. Allele origin: germline. Inheritance: Autosomal dominant inheritance. Affected: yes. Observed: 1 variant allele.
Comment: PVS1,PM2_SUP

NM_005618.4(DLL1):c.1250-8_1250-1del

Gene: DLL1 (delta like canonical Notch ligand 1; minus strand). Cytogenetic location: 6q27.
Variant type: Deletion.
Coding change: c.1250-8_1250-1del on transcript NM_005618.4 (MANE Select); 8 bases into the intron before coding-DNA position 1250 through the canonical splice acceptor site of the intron before coding-DNA position 1250, 8 bases deleted (TGTTCCAG; older notation c.1250-8_1250-1delTGTTCCAG).
Molecular consequence: splice acceptor variant.
Genome position (GRCh38, 1-based): chr6:170,284,030-170,284,037, CTGGAACA deleted on the plus strand (TGTTCCAG on the coding strand, the reverse complement: DLL1 is on the minus strand); deleting any 8 consecutive bases within chr6:170,284,030-170,284,038 gives the same sequence; the c. name uses the placement nearest the transcript's 3' end. VCF-style (leftmost placement, unchanged base first): chr6-170284029-CCTGGAACA-C. GRCh37 (hg19) VCF-style: chr6-170593117-CCTGGAACA-C.
Identifiers: ClinVar variation 3061916 (VCV003061916.1), dbSNP rs2483348372, ClinGen allele CA2740091546.